The following is an entry in ClinVar:

ClinVar aggregate classification (germline): Uncertain significance (1 of 4 stars; one submission).

Conditions:
Nephronophthisis. Also called: Juvenile Nephronophthisis. Identifiers: Orphanet 655, MedGen C0687120, MONDO:0019005, HP:0000090.

Submission:

Labcorp Genetics (formerly Invitae), Labcorp
Classification: Uncertain significance for Nephronophthisis. Last evaluated: 2020-03-23. Review status: criteria provided, single submitter. Criteria: Invitae Variant Classification Sherloc (09022015). Collection method: clinical testing. Allele origin: germline.
Comment: In summary, the available evidence is currently insufficient to determine the role of this variant in disease. Therefore, it has been classified as a Variant of Uncertain Significance. Algorithms developed to predict the effect of missense changes on protein structure and function are either unavailable or do not agree on the potential impact of this missense change (SIFT: "Deleterious"; PolyPhen-2: "Probably Damaging"; Align-GVGD: "Class C0"). This variant has not been reported in the literature in individuals with INVS-related conditions. This variant is not present in population databases (ExAC no frequency). This sequence change replaces arginine with leucine at codon 907 of the INVS protein (p.Arg907Leu). The arginine residue is highly conserved and there is a moderate physicochemical difference between arginine and leucine.

NM_014425.5(INVS):c.2720G>T (p.Arg907Leu)

Gene: INVS (inversin; plus strand). Cytogenetic location: 9q31.1.
Variant type: single nucleotide variant.
Coding change: c.2720G>T on transcript NM_014425.5 (MANE Select); coding-DNA position 2720, G replaced by T.
Protein change: p.Arg907Leu; replaces arginine 907 with leucine.
Molecular consequence: missense variant. On other transcripts: non-coding transcript variant (1).
Genome position (GRCh38, 1-based): chr9:100,292,977, G>T. VCF-style: chr9-100292977-G-T. GRCh37 (hg19) VCF-style: chr9-103055259-G-T.
Other names: c.2432G>T, p.Arg811Leu (NM_001318381.2); c.1742G>T, p.Arg581Leu (NM_001318382.2); short protein forms R581L, R811L, R907L.
Identifiers: ClinVar variation 1060237 (VCV001060237.9), dbSNP rs781064013, ClinGen allele CA374244354.
Genomic context (GRCh38, chr9:100,292,977, plus strand): 5'-AGAGTGTGAATATTGACCTTCTCCCCGTAGAGCTCCGACTGCAGATAATTCAGAGAGAAC[G>T]AAGGAGGAAGGAGCTGTTTCGCAAAAAGAACAAGGCAGCAGCAGTCATCCAGCGCGCCTG-3'
Protein context (NP_055240.2, residues 897-917): ELRLQIIQRE[Arg907Leu]RRKELFRKKN